The following is an entry in ClinVar:

NM_033028.5(BBS4):c.405G>A (p.Trp135Ter)

Gene: BBS4 (Bardet-Biedl syndrome 4; plus strand). Cytogenetic location: 15q24.1.
Variant type: single nucleotide variant.
Coding change: c.405G>A on transcript NM_033028.5 (MANE Select); coding-DNA position 405, G replaced by A.
Protein change: p.Trp135Ter; replaces tryptophan 135 with a stop codon.
Molecular consequence: nonsense. On other transcripts: 5 prime UTR variant (1), non-coding transcript variant (2).
Genome position (GRCh38, 1-based): chr15:72,716,850, G>A. VCF-style: chr15-72716850-G-A. GRCh37 (hg19) VCF-style: chr15-73009191-G-A.
Other names: c.-117G>A (NM_001252678.2); c.405G>A, p.Trp135Ter (NM_001320665.2); c.405G>A (NM_033028.4); short protein forms W135*.
Identifiers: ClinVar variation 2680033 (VCV002680033.2), dbSNP rs2542954655, ClinGen allele CA393077194.
Genomic context (GRCh38, chr15:72,716,850, plus strand): 5'-AAAACATAAAGCTGCCATTGAAGTATATAATGAAGCAGCTAAACTCAACCAGAAAGATTG[G>A]GTAAGTAGAGAACTTTCAGTTCTTTCTTATTAGTAAACTTGCTAATGGTTCCATTTATCA-3'

ClinVar aggregate classification (germline): Likely pathogenic. Review status: criteria provided, single submitter (1 of 4 stars). 2 submissions from 2 submitters: Likely pathogenic (1). 1 of the submissions does not count toward it. Last evaluated 2023-10-17.

Conditions:
Bardet-Biedl syndrome 4 (BBS4). Identifiers: Orphanet 110, MedGen C2936864, MONDO:0014433, OMIM 615982.
BBS4-related disorder. Also called: BBS4-related condition.

Submissions (2):

Baylor Genetics
Classification: Likely pathogenic for Bardet-Biedl syndrome 4. Last evaluated: 2023-10-17. Review status: criteria provided, single submitter. Criteria: ACMG Guidelines, 2015. Collection method: clinical testing. Allele origin: unknown.

PreventionGenetics, part of Exact Sciences
Classification: Pathogenic for BBS4-related condition. Last evaluated: 2024-08-09. Review status: no assertion criteria provided. Collection method: clinical testing. Allele origin: germline. Not counted in ClinVar's aggregate classification.
Comment: The BBS4 c.405G>A variant is predicted to result in premature protein termination (p.Trp135*). To our knowledge, this variant has not been reported in the literature or in a large population database, indicating this variant is rare. Nonsense variants in BBS4 are expected to be pathogenic. This variant is interpreted as pathogenic.